The following is an entry in ClinVar:

NM_017433.5(MYO3A):c.2798C>T (p.Ser933Phe)

Gene: MYO3A (myosin IIIA; plus strand). Cytogenetic location: 10p12.1.
Variant type: single nucleotide variant.
Coding change: c.2798C>T on transcript NM_017433.5 (MANE Select); coding-DNA position 2798, C replaced by T.
Protein change: p.Ser933Phe; replaces serine 933 with phenylalanine.
Molecular consequence: missense variant.
Genome position (GRCh38, 1-based): chr10:26,157,314, C>T. VCF-style: chr10-26157314-C-T. GRCh37 (hg19) VCF-style: chr10-26446243-C-T.
Other names: short protein forms S933F.
Identifiers: ClinVar variation 4076931 (VCV004076931.1).
Genomic context (GRCh38, chr10:26,157,314, plus strand): 5'-AGCTCATACGTTTTTGTATGCTACATTGGGAAATTTATTTTTGTTGTGTATTATAGTATT[C>T]CCTGATGGATTTGTTGTCTAAAATGGTGGTGGGCCAACCTCATTTTGTCCGTTGCATCAA-3'
Protein context (NP_059129.3, residues 923-943): TQTVASYFRY[Ser933Phe]LMDLLSKMVV

ClinVar aggregate classification (germline): Uncertain significance (1 of 4 stars; one submission).

Submission:

GeneDx
Classification: Uncertain significance. Last evaluated: 2025-02-24. Review status: criteria provided, single submitter. Criteria: GeneDx Variant Classification Process June 2021. Collection method: clinical testing. Allele origin: germline. Affected: yes.
Comment: Not observed at significant frequency in large population cohorts (gnomAD); In silico analysis supports that this missense variant has a deleterious effect on protein structure/function; Has not been previously published as pathogenic or benign to our knowledge